The following is an entry in ClinVar:

ClinVar aggregate classification (germline): Uncertain significance (1 of 4 stars; one submission).

Submission:

Women's Health and Genetics/Laboratory Corporation of America, LabCorp
Classification: Uncertain significance. Last evaluated: 2023-08-16. Review status: criteria provided, single submitter. Criteria: LabCorp Variant Classification Summary - May 2015. Collection method: clinical testing. Allele origin: germline.
Comment: Variant summary: HEATR3 c.1523A>G (p.His508Arg) results in a non-conservative amino acid change in the encoded protein sequence. Four of five in-silico tools predict a benign effect of the variant on protein function. The variant was absent in 221644 control chromosomes (gnomAD). The available data on variant occurrences in the general population are insufficient to allow any conclusion about variant significance. To our knowledge, no occurrence of c.1523A>G in individuals affected with Diamond-Blackfan Anemia 21 and no experimental evidence demonstrating its impact on protein function have been reported. No submitters have cited clinical-significance assessments for this variant to ClinVar after 2014. Based on the evidence outlined above, the variant was classified as uncertain significance.

NM_182922.4(HEATR3):c.1523A>G (p.His508Arg)

Gene: HEATR3 (HEAT repeat containing 3; plus strand). Cytogenetic location: 16q12.1.
Variant type: single nucleotide variant.
Coding change: c.1523A>G on transcript NM_182922.4 (MANE Select); coding-DNA position 1523, A replaced by G.
Protein change: p.His508Arg; replaces histidine 508 with arginine.
Molecular consequence: missense variant. On other transcripts: non-coding transcript variant (2).
Genome position (GRCh38, 1-based): chr16:50,094,717, A>G. VCF-style: chr16-50094717-A-G. GRCh37 (hg19) VCF-style: chr16-50128628-A-G.
Other names: c.1172A>G, p.His391Arg (NM_001329729.2, NM_001329730.2); c.830A>G, p.His277Arg (NM_001329731.2); short protein forms H277R, H391R, H508R.
Identifiers: ClinVar variation 2581172 (VCV002581172.1), dbSNP rs2506570596, ClinGen allele CA395842192.